The following is an entry in ClinVar:

ClinVar aggregate classification (germline): Uncertain significance (1 of 4 stars; one submission).

Conditions:
Inborn genetic diseases. Identifiers: MedGen C0950123, MeSH D030342.

Submission:

Ambry Genetics
Classification: Uncertain significance for Inborn genetic diseases. Last evaluated: 2026-02-16. Review status: criteria provided, single submitter. Criteria: Ambry Variant Classification Scheme 2023. Collection method: clinical testing. Allele origin: germline.
Comment: The p.S208R variant (also known as c.622A>C), located in coding exon 1 of the WT1 gene, results from an A to C substitution at nucleotide position 622. The serine at codon 208 is replaced by arginine, an amino acid with dissimilar properties. This amino acid position is well conserved in available vertebrate species. In addition, the in silico prediction for this alteration is inconclusive. Based on the available evidence, the clinical significance of this variant remains unclear.

NM_024426.6(WT1):c.637A>C (p.Ser213Arg)

Genes: WT1 (WT1 transcription factor; minus strand), LOC107982234 (WT1/WT1-AS bi-directional promoter region; plus strand). Cytogenetic location: 11p13.
Variant type: single nucleotide variant.
Coding change: c.637A>C on transcript NM_024426.6 (MANE Select); coding-DNA position 637, A replaced by C.
Protein change: p.Ser213Arg; replaces serine 213 with arginine.
Molecular consequence: missense variant. On other transcripts: non-coding transcript variant (2).
Genome position (GRCh38, 1-based): chr11:32,434,724, T>G on the plus strand (A>C on the coding strand, the complement: WT1 is on the minus strand). VCF-style: chr11-32434724-T-G. GRCh37 (hg19) VCF-style: chr11-32456270-T-G.
Other names: c.637A>C, p.Ser213Arg (NM_000378.6, NM_001407044.1, NM_001407045.1 and 6 more transcripts); c.418A>C, p.Ser140Arg (NM_001429031.1, NM_001429032.1, NM_001429033.1 and 1 more transcripts); short protein forms S208R, S213R, S140R.
Identifiers: ClinVar variation 4825399 (VCV004825399.1).